The following is an entry in ClinVar:

ClinVar aggregate classification (germline): Pathogenic (1 of 4 stars; one submission).

Conditions:
Predisposition to invasive fungal disease due to CARD9 deficiency (IMD103). Also called: Candidiasis, familial, 2, autosomal recessive; CARD9 IMMUNODEFICIENCY; IMMUNODEFICIENCY 103, SUSCEPTIBILITY TO FUNGAL INFECTIONS. Identifiers: Orphanet 457088, MedGen C1859353, MONDO:0008905, OMIM 212050.

Submission:

Labcorp Genetics (formerly Invitae), Labcorp
Classification: Pathogenic for Predisposition to invasive fungal disease due to CARD9 deficiency. Last evaluated: 2023-02-06. Review status: criteria provided, single submitter. Criteria: Invitae Variant Classification Sherloc (09022015). Collection method: clinical testing. Allele origin: germline.
Comment: This sequence change creates a premature translational stop signal (p.Glu194*) in the CARD9 gene. It is expected to result in an absent or disrupted protein product. Loss-of-function variants in CARD9 are known to be pathogenic (PMID: 19864672, 24131138, 24231284). For these reasons, this variant has been classified as Pathogenic. ClinVar contains an entry for this variant (Variation ID: 1366255). This variant has not been reported in the literature in individuals affected with CARD9-related conditions. This variant is not present in population databases (gnomAD no frequency).

Literature cited by the submitters: PubMed 19864672; PubMed 24131138; PubMed 24231284.

NM_052813.5(CARD9):c.579dup (p.Glu194Ter)

Gene: CARD9 (caspase recruitment domain family member 9; minus strand). Cytogenetic location: 9q34.3.
Variant type: Duplication.
Coding change: c.579dup on transcript NM_052813.5 (MANE Select); coding-DNA position 579, one base duplicated (T; older notation c.579dupT).
Protein change: p.Glu194Ter; replaces glutamic acid 194 with a stop codon.
Molecular consequence: nonsense.
Genome position (GRCh38, 1-based): chr9:136,370,889, A duplicated on the plus strand (T on the coding strand, the reverse complement: CARD9 is on the minus strand). VCF-style (leftmost placement, unchanged base first): chr9-136370888-C-CA. GRCh37 (hg19) VCF-style: chr9-139265340-C-CA.
Other names: c.579dup, p.Glu194Ter (NM_052814.4); short protein forms E194*.
Identifiers: ClinVar variation 1366255 (VCV001366255.6), dbSNP rs2131443924, ClinGen allele CA2573144420.